The following is an entry in ClinVar:

ClinVar aggregate classification (germline): Likely benign. Review status: criteria provided, multiple submitters, no conflicts (2 of 4 stars). 2 submissions from 2 submitters: Likely benign (2). Last evaluated 2024-09-25.

Conditions:
Infantile-onset ascending hereditary spastic paralysis (IAHSP). Also called: Autosomal Recessive Juvenile Amyotrophic Lateral Sclerosis; Infantile-Onset Ascending Hereditary Spastic Paralysis (IAHSP). Identifiers: Orphanet 293168, MedGen C2931441, MONDO:0011797, OMIM 607225. Disease mechanism: loss of function.

Allele frequency attached by ClinVar (database versions not stated): TOPMed 0.00001.
gnomAD v4.1: 13 of 1,614,054 alleles (0.00081%); highest among the groups gnomAD compares: African/African-American, 0.0013%; no homozygotes.

Submissions (2):

Labcorp Genetics (formerly Invitae), Labcorp
Classification: Likely benign for Infantile-onset ascending hereditary spastic paralysis. Last evaluated: 2024-09-25. Review status: criteria provided, single submitter. Criteria: Invitae Variant Classification Sherloc (09022015). Collection method: clinical testing. Allele origin: germline.

CeGaT Center for Human Genetics Tuebingen
Classification: Likely benign. Last evaluated: 2024-06-01. Review status: criteria provided, single submitter. Criteria: CeGaT Center For Human Genetics Tuebingen Variant Classification Criteria Version 2. Collection method: clinical testing. Allele origin: germline. Affected: yes. Observed: 1 variant allele.
Comment: ALS2: PM2:Supporting, BP4, BP7

NM_020919.4(ALS2):c.3009C>T (p.Ala1003=)

Gene: ALS2 (alsin Rho guanine nucleotide exchange factor ALS2; minus strand). Cytogenetic location: 2q33.1.
Variant type: single nucleotide variant.
Coding change: c.3009C>T on transcript NM_020919.4 (MANE Select); coding-DNA position 3009, C replaced by T.
Protein change: p.Ala1003=; no amino-acid change (alanine 1003 retained).
Molecular consequence: synonymous variant.
Genome position (GRCh38, 1-based): chr2:201,726,837, G>A on the plus strand (C>T on the coding strand, the complement: ALS2 is on the minus strand). VCF-style: chr2-201726837-G-A. GRCh37 (hg19) VCF-style: chr2-202591560-G-A.
Other names: c.3009C>T, p.Ala1003= (NM_001410975.1).
Identifiers: ClinVar variation 3250895 (VCV003250895.20), dbSNP rs1321138332.
Genomic context (GRCh38, chr2:201,726,837, plus strand): 5'-AACACTGCTACCACTTCCATAAGGGGGGAGATCAGACATCCCTCTCAAAGCCTGATCTAC[G>A]GCTTGGCTTATAGCTCGTAGCCACTTTGTCTAGGAGCAAAAAGTAACGTCAATAAGTTTA-3'
Protein context (NP_065970.2, residues 993-1013): KTKWLRAISQ[Ala1003=]VDQALRGMSD